The following is an entry in ClinVar:

ClinVar aggregate classification (germline): Conflicting classifications of pathogenicity. Review status: criteria provided, conflicting classifications (1 of 4 stars). 6 submissions from 6 submitters: Uncertain significance (5); Likely benign (1). Last evaluated 2026-04-21.

Conditions:
PLEC-related disorder. Also called: PLEC-related disorders; PLEC-related condition.
Epidermolysis bullosa simplex 5B, with muscular dystrophy (EBS5B). Also called: Epidermolysis bullosa simplex with muscular dystrophy; EPIDERMOLYSIS BULLOSA SIMPLEX AND LIMB-GIRDLE MUSCULAR DYSTROPHY. Identifiers: Orphanet 257, MedGen C2931072, MONDO:0009181, OMIM 226670.
Epidermolysis bullosa simplex with nail dystrophy (EBS5D). Identifiers: MedGen C4225309, MONDO:0014661, OMIM 616487.
Epidermolysis bullosa simplex 5C, with pyloric atresia (EBS5C). Also called: PLEC-Related Epidermolysis Bullosa with Pyloric Atresia; Epidermolysis bullosa simplex with pyloric atresia; PLEC1-Related Epidermolysis Bullosa with Pyloric Atresia. Identifiers: Orphanet 158684, MedGen C2677349, MONDO:0012807, OMIM 612138.
Epidermolysis bullosa simplex, Ogna type (EBS5A). Also called: Pidermolysis bullosa simplex 5A, Ogna type; EPIDERMOLYSIS BULLOSA SIMPLEX 5A, OGNA TYPE. Identifiers: Orphanet 79401, MedGen C0432317, MONDO:0007555, OMIM 131950.
Autosomal recessive limb-girdle muscular dystrophy type 2Q (LGMDR17). Also called: MUSCULAR DYSTROPHY, LIMB-GIRDLE, AUTOSOMAL RECESSIVE 17. Identifiers: Orphanet 254361, MedGen C3150989, MONDO:0013390, OMIM 613723.
Inborn genetic diseases. Identifiers: MedGen C0950123, MeSH D030342.

Allele frequency attached by ClinVar (database versions not stated): gnomAD exomes 0.00009 and 0.00011; TOPMed 0.00009; gnomAD 0.00013 and 0.00014; ExAC 0.00016.
gnomAD v4.1: 174 of 1,587,124 alleles (0.011%); highest among the groups gnomAD compares: Middle Eastern, 0.019%; no homozygotes.

Submissions (6):

PreventionGenetics, part of Exact Sciences
Classification: Uncertain significance for PLEC-related condition. Last evaluated: 2026-04-21. Review status: criteria provided, single submitter. Criteria: ACMG Guidelines, 2015. Collection method: clinical testing. Allele origin: germline.
Comment: The PLEC c.4796G>A variant is predicted to result in the amino acid substitution p.Arg1599His. To our knowledge, this variant has not been reported in the literature. This variant is reported in 0.016% of alleles in individuals of European (Non-Finnish) descent in gnomAD. At this time, the clinical significance of this variant is uncertain due to the absence of conclusive functional and genetic evidence.

Mayo Clinic Laboratories, Mayo Clinic
Classification: Uncertain significance. Last evaluated: 2025-08-08. Review status: criteria provided, single submitter. Criteria: ACMG Guidelines, 2015. Collection method: clinical testing. Allele origin: germline. Observed: 2 variant alleles.
Comment: PM2_supporting

Labcorp Genetics (formerly Invitae), Labcorp
Classification: Uncertain significance for Autosomal recessive limb-girdle muscular dystrophy type 2Q; Epidermolysis bullosa simplex, Ogna type; Epidermolysis bullosa simplex with nail dystrophy; Epidermolysis bullosa simplex 5C, with pyloric atresia; Epidermolysis bullosa simplex 5B, with muscular dystrophy. Last evaluated: 2024-11-18. Review status: criteria provided, single submitter. Criteria: Invitae Variant Classification Sherloc (09022015). Collection method: clinical testing. Allele origin: germline.
Comment: This sequence change replaces arginine, which is basic and polar, with histidine, which is basic and polar, at codon 1599 of the PLEC protein (p.Arg1599His). This variant is present in population databases (rs782278619, gnomAD 0.02%). This variant has not been reported in the literature in individuals affected with PLEC-related conditions. ClinVar contains an entry for this variant (Variation ID: 1045766). Experimental studies and prediction algorithms are not available or were not evaluated, and the functional significance of this variant is currently unknown. In summary, the available evidence is currently insufficient to determine the role of this variant in disease. Therefore, it has been classified as a Variant of Uncertain Significance.

Blueprint Genetics
Classification: Likely benign. Last evaluated: 2024-07-25. Review status: criteria provided, single submitter. Criteria: ACMG Guidelines, 2015. Collection method: clinical testing. Allele origin: germline.

Ambry Genetics
Classification: Uncertain significance for Inborn genetic diseases. Last evaluated: 2024-06-17. Review status: criteria provided, single submitter. Criteria: Ambry Variant Classification Scheme 2023. Collection method: clinical testing. Allele origin: germline.

Revvity Omics, Revvity
Classification: Uncertain significance. Last evaluated: 2019-08-12. Review status: criteria provided, single submitter. Criteria: ACMG Guidelines, 2015. Collection method: clinical testing. Allele origin: germline.

NM_201384.3(PLEC):c.4715G>A (p.Arg1572His)

Gene: PLEC (plectin; minus strand). Cytogenetic location: 8q24.3.
Variant type: single nucleotide variant.
Coding change: c.4715G>A on transcript NM_201384.3 (MANE Select); coding-DNA position 4715, G replaced by A.
Protein change: p.Arg1572His; replaces arginine 1572 with histidine.
Molecular consequence: missense variant.
Genome position (GRCh38, 1-based): chr8:143,925,214, C>T on the plus strand (G>A on the coding strand, the complement: PLEC is on the minus strand). VCF-style: chr8-143925214-C-T. GRCh37 (hg19) VCF-style: chr8-144999382-C-T.
Other names: p.Arg1599His; c.4796G>A (NM_000445.4, NM_000445.3); c.4796G>A, p.Arg1599His (NM_000445.5); c.4673G>A, p.Arg1558His (NM_201378.4); c.4649G>A, p.Arg1550His (NM_201379.3); c.5126G>A, p.Arg1709His (NM_201380.4); c.4619G>A, p.Arg1540His (NM_201381.3); c.4715G>A, p.Arg1572His (NM_201382.4); and 1 more; short protein forms R1550H, R1558H, R1572H, R1599H, R1540H, R1576H, R1709H.
Identifiers: ClinVar variation 1045766 (VCV001045766.11), dbSNP rs782278619, ClinGen allele CA4926558.